The following is an entry in ClinVar:

NM_000127.3(EXT1):c.1044G>A (p.Leu348=)

Gene: EXT1 (exostosin glycosyltransferase 1; minus strand). Cytogenetic location: 8q24.11.
Variant type: single nucleotide variant.
Coding change: c.1044G>A on transcript NM_000127.3 (MANE Select); coding-DNA position 1044, G replaced by A.
Protein change: p.Leu348=; no amino-acid change (leucine 348 retained).
Molecular consequence: synonymous variant.
Genome position (GRCh38, 1-based): chr8:117,837,120, C>T on the plus strand (G>A on the coding strand, the complement: EXT1 is on the minus strand). VCF-style: chr8-117837120-C-T. GRCh37 (hg19) VCF-style: chr8-118849359-C-T.
Identifiers: ClinVar variation 3060520 (VCV003060520.2), dbSNP rs1267068635, ClinGen allele CA462468968.

ClinVar aggregate classification (germline): Likely benign (0 of 4 stars; one submission).

Conditions:
EXT1-related disorder. Also called: EXT1-related condition.

gnomAD v4.1: 1 of 1,613,920 alleles (0.000062%); highest among the groups gnomAD compares: Non-Finnish European, 0.000085%; no homozygotes.

Submission:

PreventionGenetics, part of Exact Sciences
Classification: Likely benign for EXT1-related condition. Last evaluated: 2022-02-03. Review status: no assertion criteria provided. Collection method: clinical testing. Allele origin: germline.
Comment: This variant is classified as likely benign based on ACMG/AMP sequence variant interpretation guidelines (Richards et al. 2015 PMID: 25741868, with internal and published modifications).